The following is an entry in ClinVar:

NM_019098.5(CNGB3):c.2154T>G (p.Asp718Glu)

Gene: CNGB3 (cyclic nucleotide gated channel subunit beta 3; minus strand). Cytogenetic location: 8q21.3.
Variant type: single nucleotide variant.
Coding change: c.2154T>G on transcript NM_019098.5 (MANE Select); coding-DNA position 2154, T replaced by G.
Protein change: p.Asp718Glu; replaces aspartic acid 718 with glutamic acid.
Molecular consequence: missense variant.
Genome position (GRCh38, 1-based): chr8:86,576,080, A>C on the plus strand (T>G on the coding strand, the complement: CNGB3 is on the minus strand). VCF-style: chr8-86576080-A-C. GRCh37 (hg19) VCF-style: chr8-87588308-A-C.
Other names: short protein forms D718E.
Identifiers: ClinVar variation 2001409 (VCV002001409.4), dbSNP rs1198416238, ClinGen allele CA371446558.

ClinVar aggregate classification (germline): Uncertain significance (1 of 4 stars; one submission).

Submission:

Labcorp Genetics (formerly Invitae), Labcorp
Classification: Uncertain significance. Last evaluated: 2022-11-03. Review status: criteria provided, single submitter. Criteria: Invitae Variant Classification Sherloc (09022015). Collection method: clinical testing. Allele origin: germline.
Comment: In summary, the available evidence is currently insufficient to determine the role of this variant in disease. Therefore, it has been classified as a Variant of Uncertain Significance. Advanced modeling of protein sequence and biophysical properties (such as structural, functional, and spatial information, amino acid conservation, physicochemical variation, residue mobility, and thermodynamic stability) performed at Invitae indicates that this missense variant is not expected to disrupt CNGB3 protein function. This variant has not been reported in the literature in individuals affected with CNGB3-related conditions. This variant is not present in population databases (gnomAD no frequency). This sequence change replaces aspartic acid, which is acidic and polar, with glutamic acid, which is acidic and polar, at codon 718 of the CNGB3 protein (p.Asp718Glu).